The following is an entry in ClinVar:

ClinVar aggregate classification (germline): Uncertain significance (1 of 4 stars; one submission).

Submission:

Labcorp Genetics (formerly Invitae), Labcorp
Classification: Uncertain significance. Last evaluated: 2025-12-15. Review status: criteria provided, single submitter. Criteria: Invitae Variant Classification Sherloc (09022015). Collection method: clinical testing. Allele origin: germline.
Comment: This sequence change replaces alanine, which is neutral and non-polar, with threonine, which is neutral and polar, at codon 417 of the LEMD3 protein (p.Ala417Thr). This variant is present in population databases (no rsID available, gnomAD 0.0009%). This variant has not been reported in the literature in individuals affected with LEMD3-related conditions. Invitae Evidence Modeling of protein sequence and biophysical properties (such as structural, functional, and spatial information, amino acid conservation, physicochemical variation, residue mobility, and thermodynamic stability) indicates that this missense variant is not expected to disrupt LEMD3 protein function with a negative predictive value of 80%. In summary, the available evidence is currently insufficient to determine the role of this variant in disease. Therefore, it has been classified as a Variant of Uncertain Significance.

NM_014319.5(LEMD3):c.1249G>A (p.Ala417Thr)

Gene: LEMD3 (LEM domain containing 3; plus strand). Cytogenetic location: 12q14.3.
Variant type: single nucleotide variant.
Coding change: c.1249G>A on transcript NM_014319.5 (MANE Select); coding-DNA position 1249, G replaced by A.
Protein change: p.Ala417Thr; replaces alanine 417 with threonine.
Molecular consequence: missense variant.
Genome position (GRCh38, 1-based): chr12:65,170,845, G>A. VCF-style: chr12-65170845-G-A. GRCh37 (hg19) VCF-style: chr12-65564625-G-A.
Other names: c.1249G>A, p.Ala417Thr (NM_001167614.2); short protein forms A417T.
Identifiers: ClinVar variation 4773049 (VCV004773049.1).
Genomic context (GRCh38, chr12:65,170,845, plus strand): 5'-GCCTTCAGTGTGGACTCCCCCAGGATTTATTCTAACAGTCTCCCTCCCAGTGCGGCGGTG[G>A]CCGCCTCTAGTTCACTCAGGATCAATCACGCCAATCATACGGGCTCCAATCATACCTACC-3'
Protein context (NP_055134.2, residues 407-427): SNSLPPSAAV[Ala417Thr]ASSSLRINHA